The following is an entry in ClinVar:

ClinVar aggregate classification (germline): Likely pathogenic (1 of 4 stars; one submission).

Conditions:
Autosomal recessive limb-girdle muscular dystrophy type 2B (LGMDR2). Also called: Limb-girdle muscular dystrophy, type 2B; Limb-Girdle Muscular Dystrophy Type 2B (LGMD2B); MUSCULAR DYSTROPHY, LIMB-GIRDLE, TYPE 3; MUSCULAR DYSTROPHY, LIMB-GIRDLE, AUTOSOMAL RECESSIVE 2. Identifiers: Orphanet 268, MedGen C1850889, MONDO:0009676, OMIM 253601.

Submission:

Broad Center for Mendelian Genomics, Broad Institute of MIT and Harvard
Classification: Likely pathogenic for Autosomal recessive limb-girdle muscular dystrophy type 2B. Last evaluated: 2018-12-03. Review status: criteria provided, single submitter. Criteria: ACMG Guidelines, 2015. Collection method: research. Allele origin: germline. Inheritance: Autosomal recessive inheritance. Affected: yes.
Comment: This variant was absent from large population studies. This variant is predicted to cause a frameshift, which alters the protein's amino acid sequence beginning at position 1564 and leads to a premature termination codon 17 amino acids downstream. This alteration is then predicted to lead to a truncated or absent protein. Loss of function of the DYSF gene is an established disease mechanism in autosomal recessive LGMD, and this is a loss of function variant. In summary, although additional studies are required to fully establish its clinical significance, the clinical significance of the p.Phe1564SerfsTer17 variant is likely pathogenic. ACMG/AMP Criteria applied: PM2, PVS1 (Richards 2015).

NM_001130987.2(DYSF):c.4691del (p.Phe1564fs)

Gene: DYSF (dysferlin; plus strand). Cytogenetic location: 2p13.2.
Variant type: Deletion.
Coding change: c.4691del on transcript NM_001130987.2 (MANE Select); coding-DNA position 4691, one base deleted (T; older notation c.4691delT).
Protein change: p.Phe1564fs; shifts the reading frame from phenylalanine 1564.
Molecular consequence: frameshift variant.
Genome position (GRCh38, 1-based): chr2:71,656,226, T deleted; the last of 2 consecutive T bases (chr2:71,656,225-71,656,226); deleting either gives the same sequence. VCF-style (leftmost placement, unchanged base first): chr2-71656224-CT-C. GRCh37 (hg19) VCF-style: chr2-71883354-CT-C.
Other names: c.4577del, p.Phe1526fs (NM_001130455.2); c.4532del, p.Phe1511fs (NM_001130976.2); c.4595del, p.Phe1532fs (NM_001130977.2); c.4637del, p.Phe1546fs (NM_001130978.2); c.4667del, p.Phe1556fs (NM_001130979.2); c.4625del, p.Phe1542fs (NM_001130980.2); c.4688del, p.Phe1563fs (NM_001130981.2); c.4670del, p.Phe1557fs (NM_001130982.2); and 5 more; short protein forms F1526fs, F1542fs, F1546fs, F1547fs, F1557fs, F1563fs, F1511fs, F1512fs.
Identifiers: ClinVar variation 813986 (VCV000813986.1), dbSNP rs1572994572, ClinGen allele CA658820629.